The following is an entry in ClinVar:

ClinVar aggregate classification (germline): Pathogenic (1 of 4 stars; one submission).

Conditions:
Kabuki syndrome 1 (KABUK1). Also called: KMT2D-Related Kabuki Syndrome. Identifiers: Orphanet 2322, MedGen CN030661, MONDO:0007843, OMIM 147920.

Submission:

Victorian Clinical Genetics Services, Murdoch Childrens Research Institute
Classification: Pathogenic for Kabuki syndrome 1. Last evaluated: 2022-02-02. Review status: criteria provided, single submitter. Criteria: ACMG Guidelines, 2015. Collection method: clinical testing. Allele origin: germline. Inheritance: Autosomal dominant inheritance. Affected: yes.
Comment: Based on the classification scheme VCGS_Germline_v1.3.4, this variant is classified as Pathogenic. Following criteria are met: 0102 - Loss of function is a known mechanism of disease in this gene and is associated with Kabuki syndrome 1 (MIM#147920). (I) 0107 - This gene is associated with autosomal dominant disease. (I) 0201 - Variant is predicted to cause nonsense-mediated decay (NMD) and loss of protein (premature termination codon is located at least 54 nucleotides upstream of the final exon-exon junction). (SP) 0251 - This variant is heterozygous. (I) 0301 - Variant is absent from gnomAD (both v2 and v3). (SP) 0701 - Other NMD-predicted variants comparable to the one identified in this case have very strong previous evidence for pathogenicity. These variants have been reported many times as pathogenic in individuals with Kabuki syndrome (DECIPHER, PMID: 31727177). (SP) 0807 - This variant has no previous evidence of pathogenicity. (I) 0905 - No published segregation evidence has been identified for this variant. (I) 1007 - No published functional evidence has been identified for this variant. (SP) Legend: (SP) - Supporting pathogenic, (I) - Information, (SB) - Supporting benign

Literature cited by the submitters: PubMed 31727177.

NM_003482.4(KMT2D):c.10198C>T (p.Gln3400Ter)

Gene: KMT2D (lysine methyltransferase 2D; minus strand). Cytogenetic location: 12q13.12.
Variant type: single nucleotide variant.
Coding change: c.10198C>T on transcript NM_003482.4 (MANE Select); coding-DNA position 10198, C replaced by T.
Protein change: p.Gln3400Ter; replaces glutamine 3400 with a stop codon.
Molecular consequence: nonsense.
Genome position (GRCh38, 1-based): chr12:49,037,158, G>A on the plus strand (C>T on the coding strand, the complement: KMT2D is on the minus strand). VCF-style: chr12-49037158-G-A. GRCh37 (hg19) VCF-style: chr12-49430941-G-A.
Other names: short protein forms Q3400*.
Identifiers: ClinVar variation 2500731 (VCV002500731.2), dbSNP rs2120474870, ClinGen allele CA384731711.